The following is an entry in ClinVar:

NM_004473.4(FOXE1):c.911C>T (p.Ala304Val)

Gene: FOXE1 (forkhead box E1; plus strand). Cytogenetic location: 9q22.33.
Variant type: single nucleotide variant.
Coding change: c.911C>T on transcript NM_004473.4 (MANE Select); coding-DNA position 911, C replaced by T.
Protein change: p.Ala304Val; replaces alanine 304 with valine.
Molecular consequence: missense variant.
Genome position (GRCh38, 1-based): chr9:97,854,825, C>T. VCF-style: chr9-97854825-C-T. GRCh37 (hg19) VCF-style: chr9-100617107-C-T.
Other names: short protein forms A304V.
Identifiers: ClinVar variation 4999756 (VCV004999756.1).

ClinVar aggregate classification (germline): Uncertain significance (1 of 4 stars; one submission).

Conditions:
FOXE1-related disorder. Also called: FOXE1-related condition.

gnomAD v4.1: 13 of 1,537,928 alleles (0.00085%); highest among the groups gnomAD compares: East Asian, 0.024%; no homozygotes.

Submission:

PreventionGenetics, part of Exact Sciences
Classification: Uncertain significance for FOXE1-related condition. Last evaluated: 2026-04-24. Review status: criteria provided, single submitter. Criteria: ACMG Guidelines, 2015. Collection method: clinical testing. Allele origin: germline.
Comment: The FOXE1 c.911C>T variant is predicted to result in the amino acid substitution p.Ala304Val. To our knowledge, this variant has not been reported in the literature. This variant is reported in 0.054% of alleles in individuals of East Asian descent in gnomAD. Although we suspect that this variant may be benign, at this time, the clinical significance of this variant is uncertain due to the absence of conclusive functional and genetic evidence.